The following is an entry in ClinVar:

NC_000023.11:g.(?_32216896)_(32501862_?)del

Gene: DMD (dystrophin; minus strand). Cytogenetic location: Xp21.1.
Variant type: Deletion.
Identifiers: ClinVar variation 455827 (VCV000455827.9).

ClinVar aggregate classification (germline): Pathogenic (1 of 4 stars; one submission).

Conditions:
Duchenne muscular dystrophy (DMD). Also called: MUSCULAR DYSTROPHY, PSEUDOHYPERTROPHIC PROGRESSIVE, DUCHENNE TYPE; Duchenne Muscular Dystrophy (DMD). Identifiers: Orphanet 98896, MedGen C0013264, MONDO:0010679, OMIM 310200.

Submission:

Labcorp Genetics (formerly Invitae), Labcorp
Classification: Pathogenic for Duchenne muscular dystrophy. Last evaluated: 2022-07-03. Review status: criteria provided, single submitter. Criteria: Invitae Variant Classification Sherloc (09022015). Collection method: clinical testing. Allele origin: germline.
Comment: For these reasons, this variant has been classified as Pathogenic. A similar copy number variant has been observed in individuals with Duchenne muscular dystrophy (PMID: 9628192, 12324874). This variant is a gross deletion of the genomic region encompassing exon(s) 19-44 of the DMD gene. This variant would be expected to be in-frame, preserving the integrity of the reading frame.

Literature cited by the submitters: PubMed 9628192; PubMed 12324874.